The following is an entry in ClinVar:

NM_017617.5(NOTCH1):c.3465G>C (p.Gln1155His)

Gene: NOTCH1 (notch receptor 1; minus strand). Cytogenetic location: 9q34.3.
Variant type: single nucleotide variant.
Coding change: c.3465G>C on transcript NM_017617.5 (MANE Select); coding-DNA position 3465, G replaced by C.
Protein change: p.Gln1155His; replaces glutamine 1155 with histidine.
Molecular consequence: missense variant.
Genome position (GRCh38, 1-based): chr9:136,508,000, C>G on the plus strand (G>C on the coding strand, the complement: NOTCH1 is on the minus strand). VCF-style: chr9-136508000-C-G. GRCh37 (hg19) VCF-style: chr9-139402452-C-G.
Other names: short protein forms Q1155H.
Identifiers: ClinVar variation 1731679 (VCV001731679.7), dbSNP rs373549877, ClinGen allele CA375551071.

ClinVar aggregate classification (germline): Uncertain significance. Review status: criteria provided, multiple submitters, no conflicts (2 of 4 stars). 2 submissions from 2 submitters: Uncertain significance (2). Last evaluated 2025-10-28.

Conditions:
Adams-Oliver syndrome 5 (AOS5). Identifiers: Orphanet 974, MedGen C4014970, MONDO:0014459, OMIM 616028.
Familial thoracic aortic aneurysm and aortic dissection (TAAD). Also called: Thoracic aortic aneurysms and dissections. Identifiers: Orphanet 91387, MedGen C4707243, MONDO:0019625.

Submissions (2):

Labcorp Genetics (formerly Invitae), Labcorp
Classification: Uncertain significance for Adams-Oliver syndrome 5. Last evaluated: 2025-10-28. Review status: criteria provided, single submitter. Criteria: Invitae Variant Classification Sherloc (09022015). Collection method: clinical testing. Allele origin: germline.
Comment: This sequence change replaces glutamine, which is neutral and polar, with histidine, which is basic and polar, at codon 1155 of the NOTCH1 protein (p.Gln1155His). This variant is not present in population databases (gnomAD no frequency). This variant has not been reported in the literature in individuals affected with NOTCH1-related conditions. ClinVar contains an entry for this variant (Variation ID: 1731679). Invitae Evidence Modeling of protein sequence and biophysical properties (such as structural, functional, and spatial information, amino acid conservation, physicochemical variation, residue mobility, and thermodynamic stability) indicates that this missense variant is not expected to disrupt NOTCH1 protein function with a negative predictive value of 80%. In summary, the available evidence is currently insufficient to determine the role of this variant in disease. Therefore, it has been classified as a Variant of Uncertain Significance.

Ambry Genetics
Classification: Uncertain significance for Familial thoracic aortic aneurysm and aortic dissection. Last evaluated: 2022-10-07. Review status: criteria provided, single submitter. Criteria: Ambry Variant Classification Scheme 2023. Collection method: clinical testing. Allele origin: germline.
Comment: The p.Q1155H variant (also known as c.3465G>C), located in coding exon 21 of the NOTCH1 gene, results from a G to C substitution at nucleotide position 3465. The glutamine at codon 1155 is replaced by histidine, an amino acid with highly similar properties. This amino acid position is conserved. In addition, this alteration is predicted to be tolerated by in silico analysis. Since supporting evidence is limited at this time, the clinical significance of this alteration remains unclear.